The following is an entry in ClinVar:

ClinVar aggregate classification (germline): Uncertain significance. Review status: criteria provided, multiple submitters, no conflicts (2 of 4 stars). 3 submissions from 3 submitters: Uncertain significance (3). Last evaluated 2025-08-04.

Conditions:
Inborn genetic diseases. Identifiers: MedGen C0950123, MeSH D030342.

Allele frequency attached by ClinVar (database versions not stated): ESP Exome Variant Server 0.00008; gnomAD 0.00009; ExAC 0.00013; gnomAD exomes 0.00014; TOPMed 0.00014.
gnomAD v4.1: 224 of 1,614,132 alleles (0.014%); highest among the groups gnomAD compares: Middle Eastern, 0.54%; 1 homozygote.

Submissions (3):

Ambry Genetics
Classification: Uncertain significance for Inborn genetic diseases. Last evaluated: 2025-08-04. Review status: criteria provided, single submitter. Criteria: Ambry Variant Classification Scheme 2023. Collection method: clinical testing. Allele origin: germline.

Blueprint Genetics
Classification: Uncertain significance. Last evaluated: 2024-10-29. Review status: criteria provided, single submitter. Criteria: ACMG Guidelines, 2015. Collection method: clinical testing. Allele origin: germline.

Labcorp Genetics (formerly Invitae), Labcorp
Classification: Uncertain significance. Last evaluated: 2022-08-11. Review status: criteria provided, single submitter. Criteria: Invitae Variant Classification Sherloc (09022015). Collection method: clinical testing. Allele origin: germline.
Comment: This sequence change replaces leucine, which is neutral and non-polar, with phenylalanine, which is neutral and non-polar, at codon 1486 of the EPRS protein (p.Leu1486Phe). This variant is present in population databases (rs199545183, gnomAD 0.02%). This variant has not been reported in the literature in individuals affected with EPRS-related conditions. Algorithms developed to predict the effect of missense changes on protein structure and function are either unavailable or do not agree on the potential impact of this missense change (SIFT: "Tolerated"; PolyPhen-2: "Possibly Damaging"; Align-GVGD: "Class C0"). In summary, the available evidence is currently insufficient to determine the role of this variant in disease. Therefore, it has been classified as a Variant of Uncertain Significance.

NM_004446.3(EPRS1):c.4456C>T (p.Leu1486Phe)

Gene: EPRS1 (glutamyl-prolyl-tRNA synthetase 1; minus strand). Cytogenetic location: 1q41.
Variant type: single nucleotide variant.
Coding change: c.4456C>T on transcript NM_004446.3 (MANE Select); coding-DNA position 4456, C replaced by T.
Protein change: p.Leu1486Phe; replaces leucine 1486 with phenylalanine.
Molecular consequence: missense variant.
Genome position (GRCh38, 1-based): chr1:219,968,889, G>A on the plus strand (C>T on the coding strand, the complement: EPRS1 is on the minus strand). VCF-style: chr1-219968889-G-A. GRCh37 (hg19) VCF-style: chr1-220142231-G-A.
Other names: c.4456C>T (NM_004446.2); short protein forms L1486F.
Identifiers: ClinVar variation 2160571 (VCV002160571.4), dbSNP rs199545183, ClinGen allele CA1399399.